The following is an entry in ClinVar:

NM_000038.6(APC):c.7674T>G (p.Leu2558=)

Gene: APC (APC regulator of Wnt signaling pathway; plus strand). Cytogenetic location: 5q22.2.
Variant type: single nucleotide variant.
Coding change: c.7674T>G on transcript NM_000038.6 (MANE Select); coding-DNA position 7674, T replaced by G.
Protein change: p.Leu2558=; no amino-acid change (leucine 2558 retained).
Molecular consequence: synonymous variant.
Genome position (GRCh38, 1-based): chr5:112,843,268, T>G. VCF-style: chr5-112843268-T-G. GRCh37 (hg19) VCF-style: chr5-112178965-T-G.
Other names: c.7674T>G, p.Leu2558= (NM_001127510.3, NM_001354895.2); c.7620T>G, p.Leu2540= (NM_001127511.3); c.7728T>G, p.Leu2576= (NM_001354896.2); c.7704T>G, p.Leu2568= (NM_001354897.2); c.7599T>G, p.Leu2533= (NM_001354898.2); c.7590T>G, p.Leu2530= (NM_001354899.2); c.7551T>G, p.Leu2517= (NM_001354900.2); c.7497T>G, p.Leu2499= (NM_001354901.2); and 5 more.
Identifiers: ClinVar variation 925446 (VCV000925446.56), dbSNP rs766947421, ClinGen allele CA048933.

ClinVar aggregate classification (germline): Benign/Likely benign. Review status: criteria provided, multiple submitters, no conflicts (2 of 4 stars). 6 submissions from 6 submitters: Benign (1); Likely benign (4). 1 of the submissions does not count toward it. Last evaluated 2025-05-21.

Conditions:
Hereditary cancer-predisposing syndrome. Also called: Neoplastic Syndromes, Hereditary; Tumor predisposition; Hereditary Cancer Syndrome; Hereditary neoplastic syndrome. Identifiers: Orphanet 140162, MedGen C0027672, MeSH D009386, MONDO:0015356.
Classic or attenuated familial adenomatous polyposis. Identifiers: MedGen CN372698, MONDO:0021057.
Familial adenomatous polyposis 1 (FAP1). Also called: FAMILIAL ADENOMATOUS POLYPOSIS 1, ATTENUATED; POLYPOSIS, ADENOMATOUS INTESTINAL. Identifiers: MedGen C2713442, MONDO:0021056, OMIM 175100. Disease mechanism: loss of function.
APC-related disorder. Also called: APC-related condition.

Allele frequency attached by ClinVar (database versions not stated): gnomAD exomes below 0.00001 and 0.00001; ExAC 0.00001.
gnomAD v4.1: 10 of 1,613,642 alleles (0.00062%); highest among the groups gnomAD compares: Non-Finnish European, 0.00085%; no homozygotes.

Submissions (6):

Labcorp Genetics (formerly Invitae), Labcorp
Classification: Likely benign for Familial adenomatous polyposis 1. Last evaluated: 2025-05-21. Review status: criteria provided, single submitter. Criteria: Invitae Variant Classification Sherloc (09022015). Collection method: clinical testing. Allele origin: germline.

Myriad Genetics, Inc.
Classification: Benign for Familial adenomatous polyposis 1. Last evaluated: 2024-04-10. Review status: criteria provided, single submitter. Criteria: Myriad Autosomal Dominant, Autosomal Recessive and X-Linked Classification Criteria (2023). Collection method: clinical testing. Allele origin: unknown.
Comment: This variant is considered benign. This variant is a silent/synonymous amino acid change and it is not expected to impact splicing.

All of Us Research Program, National Institutes of Health
Classification: Likely benign for Classic or attenuated familial adenomatous polyposis. Last evaluated: 2023-11-20. Review status: criteria provided, single submitter. Criteria: ACMG Guidelines, 2015. Collection method: clinical testing. Allele origin: germline. Inheritance: Autosomal dominant inheritance. Observed: 1 variant allele, 1 heterozygote.
Comment: This study involves interpretation of variants in research participants for the purpose of population health screening. Participant phenotype was not available at the time of variant classification. Additional details can be found in publication PMID: 35346344, PMCID: PMC8962531

Ambry Genetics
Classification: Likely benign for Hereditary cancer-predisposing syndrome. Last evaluated: 2020-01-07. Review status: criteria provided, single submitter. Criteria: Ambry Variant Classification Scheme 2023. Collection method: clinical testing. Allele origin: germline.

Color Diagnostics, LLC DBA Color Health
Classification: Likely benign for Hereditary cancer-predisposing syndrome. Last evaluated: 2019-02-26. Review status: criteria provided, single submitter. Criteria: ACMG Guidelines, 2015. Collection method: clinical testing. Allele origin: germline.

PreventionGenetics, part of Exact Sciences
Classification: Likely benign for APC-related condition. Last evaluated: 2022-02-16. Review status: no assertion criteria provided. Collection method: clinical testing. Allele origin: germline. Not counted in ClinVar's aggregate classification.
Comment: This variant is classified as likely benign based on ACMG/AMP sequence variant interpretation guidelines (Richards et al. 2015 PMID: 25741868, with internal and published modifications).